The following is an entry in ClinVar:

ClinVar aggregate classification (germline): Pathogenic (1 of 4 stars; one submission).

Allele frequency attached by ClinVar (database versions not stated): gnomAD 0.00001; gnomAD exomes 0.00001; ExAC 0.00002.
gnomAD v4.1: 5 of 1,613,814 alleles (0.00031%); highest among the groups gnomAD compares: Admixed American, 0.0083%; no homozygotes.

Submission:

Labcorp Genetics (formerly Invitae), Labcorp
Classification: Pathogenic. Last evaluated: 2022-08-22. Review status: criteria provided, single submitter. Criteria: Invitae Variant Classification Sherloc (09022015). Collection method: clinical testing. Allele origin: germline.
Comment: This sequence change creates a premature translational stop signal (p.Trp3437*) in the ADGRV1 gene. It is expected to result in an absent or disrupted protein product. Loss-of-function variants in ADGRV1 are known to be pathogenic (PMID: 19357117, 22135276, 22147658, 26226137, 30718709, 31047384, 32467589). This variant is present in population databases (rs761353617, gnomAD 0.01%). This variant has not been reported in the literature in individuals affected with ADGRV1-related conditions. Algorithms developed to predict the effect of sequence changes on RNA splicing suggest that this variant may create or strengthen a splice site. For these reasons, this variant has been classified as Pathogenic.

Literature cited by the submitters: PubMed 19357117; PubMed 22135276; PubMed 22147658; PubMed 26226137; PubMed 30718709; PubMed 31047384; PubMed 32467589.

NM_032119.4(ADGRV1):c.10310G>A (p.Trp3437Ter)

Gene: ADGRV1 (adhesion G protein-coupled receptor V1; plus strand). Cytogenetic location: 5q14.3.
Variant type: single nucleotide variant.
Coding change: c.10310G>A on transcript NM_032119.4 (MANE Select); coding-DNA position 10310, G replaced by A.
Protein change: p.Trp3437Ter; replaces tryptophan 3437 with a stop codon.
Molecular consequence: nonsense. On other transcripts: non-coding transcript variant (1).
Genome position (GRCh38, 1-based): chr5:90,728,817, G>A. VCF-style: chr5-90728817-G-A. GRCh37 (hg19) VCF-style: chr5-90024634-G-A.
Other names: short protein forms W3437*.
Identifiers: ClinVar variation 2041414 (VCV002041414.4), dbSNP rs761353617, ClinGen allele CA3340726.
Genomic context (GRCh38, chr5:90,728,817, plus strand): 5'-GCTCTGTGTTCTTAGCCATTTCCCAGGCTAATGCCAGGCTAAACTCCCTTTTATTCAGAT[G>A]GTCTGGCAGTGGGTTTATTAACTTTCAAGAGGTGCCTGTCAGTGGGACAACAGAAGTTGA-3'